The following is an entry in ClinVar:

ClinVar aggregate classification (germline): Uncertain significance (1 of 4 stars; one submission).

gnomAD v4.1: 2 of 1,614,200 alleles (0.00012%); highest among the groups gnomAD compares: South Asian, 0.0011%; no homozygotes.

Submission:

GeneDx
Classification: Uncertain significance. Last evaluated: 2026-04-22. Review status: criteria provided, single submitter. Criteria: GeneDx Variant Classification Process June 2021. Collection method: clinical testing. Allele origin: germline.
Comment: Not observed at significant frequency in large population cohorts (gnomAD); In silico analysis suggests that this missense variant does not alter protein structure/function; Has not been previously published as pathogenic or benign to our knowledge.

NM_001161352.2(KCNMA1):c.2875A>G (p.Ile959Val)

Genes: KCNMA1 (potassium calcium-activated channel subfamily M alpha 1; minus strand), KCNMA1-AS1 (KCNMA1 antisense RNA 1; plus strand). Cytogenetic location: 10q22.3.
Variant type: single nucleotide variant.
Coding change: c.2875A>G on transcript NM_001161352.2 (MANE Select); coding-DNA position 2875, A replaced by G.
Protein change: p.Ile959Val; replaces isoleucine 959 with valine.
Molecular consequence: missense variant.
Genome position (GRCh38, 1-based): chr10:76,944,800, T>C on the plus strand (A>G on the coding strand, the complement: KCNMA1 is on the minus strand). VCF-style: chr10-76944800-T-C. GRCh37 (hg19) VCF-style: chr10-78704558-T-C.
Other names: c.2551A>G, p.Ile851Val (NM_001271518.2); c.2710A>G, p.Ile904Val (NM_001271519.2, NM_001322829.2, NM_001322836.2); c.2722A>G, p.Ile908Val (NM_001322830.2); c.2701A>G, p.Ile901Val (NM_001322832.2, NM_001410940.1, NM_002247.4); c.2713A>G, p.Ile905Val (NM_001322835.2, NM_001322837.2, NM_001014797.3); c.2248A>G, p.Ile750Val (NM_001322838.2); c.2833A>G, p.Ile945Val (NM_001437422.1); c.2788A>G, p.Ile930Val (NM_001437423.1); and 1 more; short protein forms I750V, I851V, I901V, I904V, I905V, I908V, I930V, I942V.
Identifiers: ClinVar variation 5037421 (VCV005037421.1).